The following is an entry in ClinVar:

ClinVar aggregate classification (germline): Benign. Review status: criteria provided, multiple submitters, no conflicts (2 of 4 stars). 7 submissions from 7 submitters: Benign (7). Last evaluated 2026-02-02.

Conditions:
Agenesis of the corpus callosum with peripheral neuropathy (ACCPN). Also called: CHARLEVOIX DISEASE; POLYNEUROPATHY, SENSORIMOTOR, WITH OR WITHOUT AGENESIS OF THE CORPUS CALLOSUM; HMSN/ACC; Hereditary Motor and Sensory Neuropathy with Agenesis of the Corpus Callosum. Identifiers: Orphanet 1496, MedGen C0795950, MONDO:0000902, OMIM 218000. Disease mechanism: loss of function.

Allele frequency attached by ClinVar (database versions not stated): ExAC 0.00176; gnomAD 0.00465; TOPMed 0.00572; ESP Exome Variant Server 0.00623; 1000 Genomes Project 0.00859; 1000 Genomes Project 30x 0.00890.
gnomAD v4.1: 1,591 of 1,546,746 alleles (0.1%); highest among the groups gnomAD compares: African/African-American, 1.8%; 18 homozygotes.

Submissions (7):

Labcorp Genetics (formerly Invitae), Labcorp
Classification: Benign. Last evaluated: 2026-02-02. Review status: criteria provided, single submitter. Criteria: Invitae Variant Classification Sherloc (09022015). Collection method: clinical testing. Allele origin: germline.

Genome-Nilou Lab
Classification: Benign for Agenesis of the corpus callosum with peripheral neuropathy. Last evaluated: 2021-07-15. Review status: criteria provided, single submitter. Criteria: ACMG Guidelines, 2015. Collection method: clinical testing. Allele origin: germline. Affected: no.

ARUP Laboratories, Molecular Genetics and Genomics, ARUP Laboratories
Classification: Benign for Agenesis of the corpus callosum with peripheral neuropathy. Last evaluated: 2021-05-07. Review status: criteria provided, single submitter. Criteria: ARUP Molecular Germline Variant Investigation Process 2021. Collection method: clinical testing. Allele origin: germline.

Mayo Clinic Laboratories, Mayo Clinic
Classification: Benign. Last evaluated: 2019-12-09. Review status: criteria provided, single submitter. Criteria: ACMG Guidelines, 2015. Collection method: clinical testing. Allele origin: germline. Observed: 4 variant alleles.

Illumina Laboratory Services, Illumina
Classification: Benign for Agenesis of the corpus callosum with peripheral neuropathy. Last evaluated: 2018-01-12. Review status: criteria provided, single submitter. Criteria: ICSL Variant Classification Criteria 13 December 2019. Collection method: clinical testing. Allele origin: germline.
Comment: This variant was observed in the ICSL laboratory as part of a predisposition screen in an ostensibly healthy population. It had not been previously curated by ICSL or reported in the Human Gene Mutation Database (HGMD: prior to June 1st, 2018), and was therefore a candidate for classification through an automated scoring system. Utilizing variant allele frequency, disease prevalence and penetrance estimates, and inheritance mode, an automated score was calculated to assess if this variant is too frequent to cause the disease. Based on the score and internal cut-off values, a variant classified as benign is not then subjected to further curation. The score for this variant resulted in a classification of benign for this disease.

GeneDx
Classification: Benign. Last evaluated: 2017-01-03. Review status: criteria provided, single submitter. Criteria: GeneDx Variant Classification (06012015). Collection method: clinical testing. Allele origin: germline. Affected: yes.
Comment: This variant is considered likely benign or benign based on one or more of the following criteria: it is a conservative change, it occurs at a poorly conserved position in the protein, it is predicted to be benign by multiple in silico algorithms, and/or has population frequency not consistent with disease.

Breakthrough Genomics
Classification: Benign. Review status: criteria provided, single submitter. Criteria: ACMG Guidelines, 2015. Collection method: not provided. Allele origin: germline. Inheritance: Autosomal recessive inheritance. Affected: yes.

NM_001365088.1(SLC12A6):c.2935-7A>G

Gene: SLC12A6 (solute carrier family 12 member 6; minus strand). Cytogenetic location: 15q14.
Variant type: single nucleotide variant.
Coding change: c.2935-7A>G on transcript NM_001365088.1 (MANE Select); 7 bases into the intron before coding-DNA position 2935, A replaced by G.
Molecular consequence: intron variant.
Genome position (GRCh38, 1-based): chr15:34,236,822, T>C on the plus strand (A>G on the coding strand, the complement: SLC12A6 is on the minus strand). VCF-style: chr15-34236822-T-C. GRCh37 (hg19) VCF-style: chr15-34529023-T-C.
Other names: p.?; c.2758-7A>G (NM_001042495.2, NM_001042494.2); c.2908-7A>G (NM_001042496.2); c.2890-7A>G (NM_001042497.2); c.2935-7A>G (NM_133647.2); c.2782-7A>G (NM_005135.2).
Identifiers: ClinVar variation 390124 (VCV000390124.26), dbSNP rs184053916, ClinGen allele CA7463958.
Genomic context (GRCh38, chr15:34,236,822, plus strand): 5'-TTGTTCCATCATCAAAGTGCGCTCGTAAGTATATGCTGATATATCACTGTCATGCTGCCA[T>C]AGACATCACATAAAAGGGGCAAAAAGCACAAAGGAGAAAGAAGGATGAACCATACATTTT-3'